The following is an entry in ClinVar:

ClinVar aggregate classification (germline): Pathogenic. Review status: criteria provided, multiple submitters, no conflicts (2 of 4 stars). 6 submissions from 6 submitters: Pathogenic (6). Last evaluated 2025-08-06.

Conditions:
Von Hippel-Lindau syndrome (VHLS). Also called: Von Hippel-Lindau; VHL syndrome; von Hippel–Lindau syndrome. Identifiers: Orphanet 892, MedGen C0019562, MONDO:0008667, OMIM 193300. Disease mechanism: loss of function.
Hereditary cancer-predisposing syndrome. Also called: Hereditary Cancer Syndrome; Tumor predisposition; Neoplastic Syndromes, Hereditary; Hereditary neoplastic syndrome. Identifiers: Orphanet 140162, MedGen C0027672, MeSH D009386, MONDO:0015356.
Chuvash polycythemia. Also called: POLYCYTHEMIA, VHL-DEPENDENT. Identifiers: Orphanet 238557, MedGen C1837915, MONDO:0009892, OMIM 263400.
Tuberous sclerosis 2 (TSC2). Identifiers: Orphanet 805, MedGen C1860707, MONDO:0013199, OMIM 613254.

Submissions (6):

Dasa
Classification: Pathogenic. Last evaluated: 2025-08-06. Review status: criteria provided, single submitter. Criteria: DASA Assertion Criteria. Collection method: clinical testing. Allele origin: germline.
Comment: NM_000551.4(VHL):c.264G>A (p.Trp88*) introduces a premature termination codon predicted to result in loss of normal protein function. Loss-of-function is an established mechanism of disease for this gene. Segregation evidence has been reported in affected families. This variant has been recurrently observed in individuals with related phenotype (PMID: 25069792; PMID: 28469506; PMID: 36281577). The variant is present at low frequency in population datasets. Based on the available data, this variant is classified as pathogenic.

Clinical Genomics Laboratory, Washington University in St. Louis
Classification: Pathogenic for Von Hippel-Lindau syndrome. Last evaluated: 2025-08-01. Review status: criteria provided, single submitter. Criteria: ACMG Guidelines, 2015. Collection method: clinical testing. Allele origin: germline. Affected: yes.
Comment: The VHL c.264G>A (p.Trp88Ter) variant has been reported in the medical literature in individuals affected with VHL-related disease (Wu P et al., PMID: 22357542; Di Felice Boratto S et al., PMID: 32117777; Zhang J et al., PMID: 25563310). This variant is absent from the general population (gnomAD v.2.1.1), indicating it is not a common variant. This variant has been submitted to ClinVar as pathogenic by two laboratories (variation ID: 936684). Based on available information, and based on ACMG/AMP guidelines for variant interpretation (Richards S et al., PMID: 25741868), this variant is classified as pathogenic.

Johns Hopkins Genomics, Johns Hopkins University
Classification: Pathogenic for Tuberous sclerosis 2. Last evaluated: 2025-07-28. Review status: criteria provided, single submitter. Criteria: ACMG Guidelines, 2015. Collection method: clinical testing. Allele origin: germline.
Comment: This variant is classified as pathogenic (PVS1, PM2_supporting, PS1).

Ambry Genetics
Classification: Pathogenic for Hereditary cancer-predisposing syndrome. Last evaluated: 2023-01-26. Review status: criteria provided, single submitter. Criteria: Ambry Variant Classification Scheme 2023. Collection method: clinical testing. Allele origin: germline.
Comment: The p.W88* pathogenic mutation (also known as c.264G>A), located in coding exon 1 of the VHL gene, results from a G to A substitution at nucleotide position 264. This changes the amino acid from a tryptophan to a stop codon within coding exon 1. This alteration has been observed in multiple individuals with a personal and/or family history that is consistent with VHL-related disease (Ambry internal data; Zhang M et al. Endocrine, 2015 Feb;48:83-; Math&oacute; C et al. Genet Test Mol Biomarkers, 2016 Dec;20:771-776; Sriphrapradang C et al. Clin Med Insights Endocrinol Diabetes, 2017 Apr;10:1179551417705122; Lee SH et al. Korean J Ophthalmol, 2022 Dec;36:543-549). This variant is considered to be rare based on population cohorts in the Genome Aggregation Database (gnomAD). In addition to the clinical data presented in the literature, this alteration is expected to result in loss of function by premature protein truncation or nonsense-mediated mRNA decay. As such, this alteration is interpreted as a disease-causing mutation.

Labcorp Genetics (formerly Invitae), Labcorp
Classification: Pathogenic for Von Hippel-Lindau syndrome; Chuvash polycythemia. Last evaluated: 2019-05-23. Review status: criteria provided, single submitter. Criteria: Invitae Variant Classification Sherloc (09022015). Collection method: clinical testing. Allele origin: germline.
Comment: This variant is not present in population databases (ExAC no frequency). For these reasons, this variant has been classified as Pathogenic. Loss-of-function variants in VHL are known to be pathogenic (PMID: 8956040, 12202531). This variant has been observed in individuals affected with von Hippel-Lindau syndrome (PMID: 25069792, 28469506). This sequence change creates a premature translational stop signal (p.Trp88*) in the VHL gene. It is expected to result in an absent or disrupted protein product.

ARUP Laboratories, Molecular Genetics and Genomics, ARUP Laboratories
Classification: Pathogenic. Review status: criteria provided, single submitter. Criteria: ARUP Molecular Germline Variant Investigation Process 2024. Collection method: clinical testing. Allele origin: germline.
Comment: The VHL c.264G>A; p.Trp88Ter variant (rs869025622, ClinVar Variation ID: 936684) is reported in the literature in multiple individuals affected with Von Hippel-Lindau disease (Sriphrapradang 2017, Zhang 2015). This variant is absent from the Genome Aggregation Database (v2.1.1), indicating it is not a common polymorphism. This variant induces an early termination codon and is predicted to result in a truncated protein or mRNA subject to nonsense-mediated decay. Based on available information, this variant is considered to be pathogenic.

Literature cited by the submitters: PubMed 25069792 (cited by 4 submitters); PubMed 28469506 (cited by 4 submitters); PubMed 36281577 (cited by 3 submitters); PubMed 27617348 (cited by Johns Hopkins Genomics, Johns Hopkins University and Ambry Genetics); PubMed 32117777 (cited by Johns Hopkins Genomics, Johns Hopkins University); PubMed 40249889 (cited by Johns Hopkins Genomics, Johns Hopkins University); PubMed 8956040 (cited by Labcorp Genetics (formerly Invitae), Labcorp); PubMed 12202531 (cited by Labcorp Genetics (formerly Invitae), Labcorp).

NM_000551.4(VHL):c.264G>A (p.Trp88Ter)

Gene: VHL (von Hippel-Lindau tumor suppressor; plus strand). Cytogenetic location: 3p25.3.
Variant type: single nucleotide variant.
Coding change: c.264G>A on transcript NM_000551.4 (MANE Select); coding-DNA position 264, G replaced by A.
Protein change: p.Trp88Ter; replaces tryptophan 88 with a stop codon.
Molecular consequence: nonsense.
Genome position (GRCh38, 1-based): chr3:10,142,111, G>A. VCF-style: chr3-10142111-G-A. GRCh37 (hg19) VCF-style: chr3-10183795-G-A.
Other names: c.264G>A, p.Trp88Ter (NM_001354723.2, NM_198156.3); short protein forms W88*.
Identifiers: ClinVar variation 936684 (VCV000936684.14), dbSNP rs869025622, ClinGen allele CA351750677.